The following is an entry in ClinVar:

NM_000193.4(SHH):c.730del (p.Arg244fs)

Gene: SHH (sonic hedgehog signaling molecule; minus strand). Cytogenetic location: 7q36.3.
Variant type: Deletion.
Coding change: c.730del on transcript NM_000193.4 (MANE Select); coding-DNA position 730, one base deleted (C; older notation c.730delC).
Protein change: p.Arg244fs; shifts the reading frame from arginine 244.
Molecular consequence: frameshift variant. On other transcripts: intron variant (1).
Genome position (GRCh38, 1-based): chr7:155,803,559, G deleted on the plus strand (C on the coding strand, the reverse complement: SHH is on the minus strand); the first of 2 consecutive G bases (chr7:155,803,559-155,803,560); deleting either gives the same sequence. VCF-style (leftmost placement, unchanged base first): chr7-155803558-CG-C. GRCh37 (hg19) VCF-style: chr7-155596252-CG-C.
Other names: c.301+2737del (NM_001310462.2); short protein forms R244fs.
Identifiers: ClinVar variation 3775143 (VCV003775143.1).

ClinVar aggregate classification (germline): Pathogenic (1 of 4 stars; one submission).

Conditions:
Holoprosencephaly 3 (HPE3). Identifiers: Orphanet 2162, MedGen C1840529, MONDO:0007733, OMIM 142945.

Submission:

Laboratory of Molecular Genetics, CHU Rennes
Classification: Pathogenic for Holoprosencephaly 3. Last evaluated: 2025-02-27. Review status: criteria provided, single submitter. Criteria: ACMG Guidelines, 2015. Collection method: clinical testing. Allele origin: de novo. Inheritance: Autosomal dominant inheritance. Affected: yes.
Comment: The NM_000193.4:c.730del is a deletion of one base-pair in SHH which is predicted to result in a premature stop codon downstream, and likely results in an absent or disrupted protein product (PVS1). This variant is not present in gnomAD (PM2) and occurred de novo (PS2). In summary, this variant meets criteria to be classified as pathogenic for holoprosencephaly based on the ACMG criteria applied.